The following is an entry in ClinVar:

ClinVar aggregate classification (germline): Pathogenic. Review status: criteria provided, multiple submitters, no conflicts (2 of 4 stars). 2 submissions from 2 submitters: Pathogenic (2). Last evaluated 2025-04-09.

Conditions:
Familial adenomatous polyposis 1 (FAP1). Also called: FAMILIAL ADENOMATOUS POLYPOSIS 1, ATTENUATED; POLYPOSIS, ADENOMATOUS INTESTINAL. Identifiers: MedGen C2713442, MONDO:0021056, OMIM 175100. Disease mechanism: loss of function.

Submissions (2):

Myriad Genetics, Inc.
Classification: Pathogenic for Familial adenomatous polyposis 1. Last evaluated: 2025-04-09. Review status: criteria provided, single submitter. Criteria: Myriad Autosomal Dominant, Autosomal Recessive and X-Linked Classification Criteria (2023). Collection method: clinical testing. Allele origin: unknown.
Comment: This variant is considered pathogenic. This variant creates a termination codon and is predicted to result in premature protein truncation.

Labcorp Genetics (formerly Invitae), Labcorp
Classification: Pathogenic for Familial adenomatous polyposis 1. Last evaluated: 2020-06-30. Review status: criteria provided, single submitter. Criteria: Invitae Variant Classification Sherloc (09022015). Collection method: clinical testing. Allele origin: germline.
Comment: A different truncation (p.Tyr2645Lysfs*14) that lies downstream of this variant has been determined to be pathogenic (PMID: 9824584, 1316610, 27081525, 8381579, 22135120, Invitae). This suggests that deletion of this region of the APC protein is causative of disease. This variant has not been reported in the literature in individuals with APC-related conditions. This variant is not present in population databases (ExAC no frequency). This sequence change results in a premature translational stop signal in the APC gene (p.Gln1447*). While this is not anticipated to result in nonsense mediated decay, it is expected to disrupt the last 1397 amino acids of the APC protein. For these reasons, this variant has been classified as Pathogenic. This variant is expected to disrupt the EB1 and HDLG binding sites, which mediate interactions with the cytoskeleton (PMID: 15311282, 17293347). While functional studies have not been performed to directly test the effect on APC protein function, this suggests that disruption of the C-terminal portion of the protein is functionally important.

Literature cited by the submitters: PubMed 9824584 (cited by Labcorp Genetics (formerly Invitae), Labcorp); PubMed 1316610 (cited by Labcorp Genetics (formerly Invitae), Labcorp); PubMed 27081525 (cited by Labcorp Genetics (formerly Invitae), Labcorp); PubMed 8381579 (cited by Labcorp Genetics (formerly Invitae), Labcorp); PubMed 22135120 (cited by Labcorp Genetics (formerly Invitae), Labcorp); PubMed 15311282 (cited by Labcorp Genetics (formerly Invitae), Labcorp); PubMed 17293347 (cited by Labcorp Genetics (formerly Invitae), Labcorp).

NM_000038.6(APC):c.4339C>T (p.Gln1447Ter)

Gene: APC (APC regulator of Wnt signaling pathway; plus strand). Cytogenetic location: 5q22.2.
Variant type: single nucleotide variant.
Coding change: c.4339C>T on transcript NM_000038.6 (MANE Select); coding-DNA position 4339, C replaced by T.
Protein change: p.Gln1447Ter; replaces glutamine 1447 with a stop codon.
Molecular consequence: nonsense.
Genome position (GRCh38, 1-based): chr5:112,839,933, C>T. VCF-style: chr5-112839933-C-T. GRCh37 (hg19) VCF-style: chr5-112175630-C-T.
Other names: c.4285C>T, p.Gln1429Ter (NM_001127511.3); c.4339C>T, p.Gln1447Ter (NM_001354895.2, NM_001127510.3); c.4393C>T, p.Gln1465Ter (NM_001354896.2); c.4369C>T, p.Gln1457Ter (NM_001354897.2); c.4264C>T, p.Gln1422Ter (NM_001354898.2); c.4255C>T, p.Gln1419Ter (NM_001354899.2); c.4216C>T, p.Gln1406Ter (NM_001354900.2); c.4162C>T, p.Gln1388Ter (NM_001354901.2); and 5 more; short protein forms Q1164*, Q1287*, Q1321*, Q1346*, Q1356*, Q1388*, Q1406*, Q1419*.
Identifiers: ClinVar variation 1070561 (VCV001070561.11), dbSNP rs1561591598, ClinGen allele CA16030837.